The following is an entry in ClinVar:

ClinVar aggregate classification (germline): Uncertain significance (1 of 4 stars; one submission).

Allele frequency attached by ClinVar (database versions not stated): gnomAD exomes below 0.00001.
gnomAD v4.1: 2 of 1,613,818 alleles (0.00012%); highest among the groups gnomAD compares: Non-Finnish European, 0.000085%; no homozygotes.

Submission:

Labcorp Genetics (formerly Invitae), Labcorp
Classification: Uncertain significance. Last evaluated: 2025-01-06. Review status: criteria provided, single submitter. Criteria: Invitae Variant Classification Sherloc (09022015). Collection method: clinical testing. Allele origin: germline.
Comment: This sequence change replaces serine, which is neutral and polar, with arginine, which is basic and polar, at codon 794 of the ERBIN protein (p.Ser794Arg). This variant is not present in population databases (gnomAD no frequency). This variant has not been reported in the literature in individuals affected with ERBIN-related conditions. ClinVar contains an entry for this variant (Variation ID: 2990773). An algorithm developed to predict the effect of missense changes on protein structure and function (PolyPhen-2) suggests that this variant is likely to be tolerated. In summary, the available evidence is currently insufficient to determine the role of this variant in disease. Therefore, it has been classified as a Variant of Uncertain Significance.

NM_001253697.2(ERBIN):c.2382C>G (p.Ser794Arg)

Gene: ERBIN (erbb2 interacting protein; plus strand). Cytogenetic location: 5q12.3.
Variant type: single nucleotide variant.
Coding change: c.2382C>G on transcript NM_001253697.2 (MANE Select); coding-DNA position 2382, C replaced by G.
Protein change: p.Ser794Arg; replaces serine 794 with arginine.
Molecular consequence: missense variant.
Genome position (GRCh38, 1-based): chr5:66,053,700, C>G. VCF-style: chr5-66053700-C-G. GRCh37 (hg19) VCF-style: chr5-65349528-C-G.
Other names: c.2382C>G, p.Ser794Arg (NM_001006600.3, NM_001253698.2, NM_001253699.2 and 1 more transcripts); c.2370C>G, p.Ser790Arg (NM_001253701.2); short protein forms S790R, S794R.
Identifiers: ClinVar variation 2990773 (VCV002990773.3), dbSNP rs900009889, ClinGen allele CA119867572.